The following is an entry in ClinVar:

NM_000030.3(AGXT):c.536delinsACTGGAGG (p.Leu179fs)

Gene: AGXT (alanine--glyoxylate aminotransferase; plus strand). Cytogenetic location: 2q37.3.
Variant type: Indel.
Coding change: c.536delinsACTGGAGG on transcript NM_000030.3 (MANE Select); coding-DNA position 536, T replaced by ACTGGAGG.
Protein change: p.Leu179fs; shifts the reading frame from leucine 179.
Molecular consequence: frameshift variant.
Genome position (GRCh38, 1-based): chr2:240,872,990, T replaced by ACTGGAGG. VCF-style: chr2-240872990-T-ACTGGAGG. GRCh37 (hg19) VCF-style: chr2-241812407-T-ACTGGAGG.
Other names: short protein forms L179fs.
Identifiers: ClinVar variation 1725188 (VCV001725188.2), dbSNP rs2528749663, ClinGen allele CA2580068020.
Genomic context (GRCh38, chr2:240,872,990, plus strand): 5'-GGCCCCCTGCCTCACCTGCTGCCCTCCATTCTGTCCCCCACCTCTCCAGGTACAAGTGCC[T>ACTGGAGG]GCTCCTGGTGGATTCGGTGGCATCCCTGGGCGGGACCCCCCTTTACATGGACCGGCAAGG-3'

ClinVar aggregate classification (germline): Likely pathogenic (1 of 4 stars; one submission).

Conditions:
Primary hyperoxaluria, type I (HP1). Also called: GLYCOLIC ACIDURIA; HEPATIC AGT DEFICIENCY; Primary hyperoxaluria type 1; OXALOSIS I. Identifiers: Orphanet 416, Orphanet 93598, MedGen C0268164, MONDO:0009823, OMIM 259900. Disease mechanism: loss of function.

Submission:

Myriad Genetics, Inc.
Classification: Likely pathogenic for Primary hyperoxaluria, type I. Last evaluated: 2022-03-14. Review status: criteria provided, single submitter. Criteria: Myriad Women's Health Autosomal Recessive and X-Linked Classification Criteria (2021). Collection method: clinical testing. Allele origin: unknown.
Comment: NM_000030.2(AGXT):c.536del1ins8(L179Hfs*48) is expected to be pathogenic in the context of primary hyperoxaluria type 1. This variant is predicted to lead to an abnormal or absent protein product due to the creation of a premature termination codon in AGXT, a gene where loss-of-function variants are known to be pathogenic. Please note: this variant was assessed in the context of healthy population screening.